The following is an entry in ClinVar:

ClinVar aggregate classification (germline): Uncertain significance. Review status: criteria provided, multiple submitters, no conflicts (2 of 4 stars). 2 submissions from 2 submitters: Uncertain significance (2). Last evaluated 2022-11-01.

Allele frequency attached by ClinVar (database versions not stated): ExAC 0.00002; gnomAD 0.00003; ESP Exome Variant Server 0.00008.
gnomAD v4.1: 48 of 1,613,984 alleles (0.003%); highest among the groups gnomAD compares: Non-Finnish European, 0.0027%; no homozygotes.

Submissions (2):

Ambry Genetics
Classification: Uncertain significance. Last evaluated: 2022-11-01. Review status: criteria provided, single submitter. Criteria: Ambry Variant Classification Scheme 2023. Collection method: clinical testing. Allele origin: germline.

Labcorp Genetics (formerly Invitae), Labcorp
Classification: Uncertain significance. Last evaluated: 2022-08-20. Review status: criteria provided, single submitter. Criteria: Invitae Variant Classification Sherloc (09022015). Collection method: clinical testing. Allele origin: germline.
Comment: In summary, the available evidence is currently insufficient to determine the role of this variant in disease. Therefore, it has been classified as a Variant of Uncertain Significance. Algorithms developed to predict the effect of missense changes on protein structure and function are either unavailable or do not agree on the potential impact of this missense change (SIFT: "Not Available"; PolyPhen-2: "Benign"; Align-GVGD: "Not Available"). This variant has not been reported in the literature in individuals affected with PIK3C2A-related conditions. This variant is present in population databases (rs147046712, gnomAD 0.01%). This sequence change replaces threonine, which is neutral and polar, with isoleucine, which is neutral and non-polar, at codon 136 of the PIK3C2A protein (p.Thr136Ile).

NM_002645.4(PIK3C2A):c.407C>T (p.Thr136Ile)

Gene: PIK3C2A (phosphatidylinositol-4-phosphate 3-kinase catalytic subunit type 2 alpha; minus strand). Cytogenetic location: 11p15.1.
Variant type: single nucleotide variant.
Coding change: c.407C>T on transcript NM_002645.4 (MANE Select); coding-DNA position 407, C replaced by T.
Protein change: p.Thr136Ile; replaces threonine 136 with isoleucine.
Molecular consequence: missense variant. On other transcripts: intron variant (1).
Genome position (GRCh38, 1-based): chr11:17,169,335, G>A on the plus strand (C>T on the coding strand, the complement: PIK3C2A is on the minus strand). VCF-style: chr11-17169335-G-A. GRCh37 (hg19) VCF-style: chr11-17190882-G-A.
Other names: c.407C>T, p.Thr136Ile (NM_001321378.2, NM_001386870.1); c.-75-13706C>T (NM_001321380.2); short protein forms T136I.
Identifiers: ClinVar variation 1923615 (VCV001923615.4), dbSNP rs147046712, ClinGen allele CA5901577.